The following is an entry in ClinVar:

ClinVar aggregate classification (germline): Conflicting classifications of pathogenicity. Review status: criteria provided, conflicting classifications (1 of 4 stars). 3 submissions from 3 submitters: Uncertain significance (1); Likely benign (1). 1 of the submissions does not count toward it. Last evaluated 2025-11-21.

Conditions:
Hereditary cancer-predisposing syndrome. Also called: Hereditary neoplastic syndrome; Tumor predisposition; Hereditary Cancer Syndrome; Neoplastic Syndromes, Hereditary. Identifiers: Orphanet 140162, MedGen C0027672, MeSH D009386, MONDO:0015356.
Gastrointestinal stromal tumor. Also called: Gastrointestinal stroma tumor; Gastrointestinal stromal tumor, somatic. Identifiers: Orphanet 44890, MedGen C0238198, MeSH D046152, MONDO:0011719, OMIM 606764, HP:0100723.

Submissions (3):

Ambry Genetics
Classification: Likely benign for Hereditary cancer-predisposing syndrome. Last evaluated: 2025-11-21. Review status: criteria provided, single submitter. Criteria: Ambry Variant Classification Scheme 2023. Collection method: clinical testing. Allele origin: germline.

Labcorp Genetics (formerly Invitae), Labcorp
Classification: Uncertain significance for Gastrointestinal stromal tumor. Last evaluated: 2021-09-07. Review status: criteria provided, single submitter. Criteria: Invitae Variant Classification Sherloc (09022015). Collection method: clinical testing. Allele origin: germline.
Comment: Algorithms developed to predict the effect of missense changes on protein structure and function (SIFT, PolyPhen-2, Align-GVGD) all suggest that this variant is likely to be tolerated. This sequence change replaces arginine with serine at codon 19 of the KIT protein (p.Arg19Ser). The arginine residue is weakly conserved and there is a moderate physicochemical difference between arginine and serine. This variant is not present in population databases (ExAC no frequency). This variant has not been reported in the literature in individuals affected with KIT-related conditions. Algorithms developed to predict the effect of sequence changes on RNA splicing suggest that this variant may create or strengthen a splice site. In summary, the available evidence is currently insufficient to determine the role of this variant in disease. Therefore, it has been classified as a Variant of Uncertain Significance.

Zotz-Klimas Genetics Lab, MVZ Zotz Klimas
Classification: Uncertain significance for Gastrointestinal stromal tumor. Last evaluated: 2023-10-30. Review status: no assertion criteria provided. Collection method: clinical testing. Allele origin: germline. Affected: yes. Not counted in ClinVar's aggregate classification.

NM_000222.3(KIT):c.55C>A (p.Arg19Ser)

Gene: KIT (KIT proto-oncogene, receptor tyrosine kinase; plus strand). Cytogenetic location: 4q12.
Variant type: single nucleotide variant.
Coding change: c.55C>A on transcript NM_000222.3 (MANE Select); coding-DNA position 55, C replaced by A.
Protein change: p.Arg19Ser; replaces arginine 19 with serine.
Molecular consequence: missense variant.
Genome position (GRCh38, 1-based): chr4:54,658,069, C>A. VCF-style: chr4-54658069-C-A. GRCh37 (hg19) VCF-style: chr4-55524236-C-A.
Other names: c.55C>A, p.Arg19Ser (NM_001093772.2, NM_001385284.1, NM_001385285.1 and 4 more transcripts); c.55C>A (NM_000222.2); short protein forms R19S.
Identifiers: ClinVar variation 1487867 (VCV001487867.7), dbSNP rs1490714621, ClinGen allele CA356897998.